The following is an entry in ClinVar:

NM_001164508.2(NEB):c.23889G>T (p.Glu7963Asp)

Genes: NEB (nebulin; minus strand), RIF1 (replication timing regulatory factor 1; plus strand). Cytogenetic location: 2q23.3.
Variant type: single nucleotide variant.
Coding change: c.23889G>T on transcript NM_001164508.2 (MANE Select); coding-DNA position 23889, G replaced by T.
Protein change: p.Glu7963Asp; replaces glutamic acid 7963 with aspartic acid.
Molecular consequence: missense variant.
Genome position (GRCh38, 1-based): chr2:151,502,832, C>A on the plus strand (G>T on the coding strand, the complement: NEB is on the minus strand). VCF-style: chr2-151502832-C-A. GRCh37 (hg19) VCF-style: chr2-152359346-C-A.
Other names: c.18786G>T (NM_004543.4); c.23889G>T, p.Glu7963Asp (NM_001164507.2); c.23994G>T, p.Glu7998Asp (NM_001271208.2); c.18786G>T, p.Glu6262Asp (NM_004543.5); short protein forms E6262D, E7998D, E7963D.
Identifiers: ClinVar variation 1916790 (VCV001916790.3), dbSNP rs975397268, ClinGen allele CA348781689.
Genomic context (GRCh38, chr2:151,502,832, plus strand): 5'-TTTTGGCCCCCTAAGAAATACCGAGCTAAAGTTCTCTTGATTGCGTTTGACTCTCTCCAT[C>A]TCTGGAGTGATAGGTGTTGGGATTCCTTTCCCCAAATTTTCTTTGTACAAAACCTGTGAG-3'
Protein context (NP_001157980.2, residues 7953-7973): GKGIPTPITP[Glu7963Asp]MERVKRNQEN

ClinVar aggregate classification (germline): Uncertain significance. Review status: criteria provided, multiple submitters, no conflicts (2 of 4 stars). 2 submissions from 2 submitters: Uncertain significance (2). Last evaluated 2025-10-22.

Conditions:
Nemaline myopathy 2 (NEM2). Also called: Nemaline myopathy 2, autosomal recessive. Identifiers: MedGen C1850569, MONDO:0009725, OMIM 256030.
Inborn genetic diseases. Identifiers: MedGen C0950123, MeSH D030342.

Allele frequency attached by ClinVar (database versions not stated): gnomAD 0.00011.
gnomAD v4.1: 19 of 1,607,874 alleles (0.0012%); highest among the groups gnomAD compares: Admixed American, 0.03%; no homozygotes.

Submissions (2):

Ambry Genetics
Classification: Uncertain significance for Inborn genetic diseases. Last evaluated: 2025-10-22. Review status: criteria provided, single submitter. Criteria: Ambry Variant Classification Scheme 2023. Collection method: clinical testing. Allele origin: germline.

Labcorp Genetics (formerly Invitae), Labcorp
Classification: Uncertain significance for Nemaline myopathy 2. Last evaluated: 2021-12-24. Review status: criteria provided, single submitter. Criteria: Invitae Variant Classification Sherloc (09022015). Collection method: clinical testing. Allele origin: germline.
Comment: This sequence change replaces glutamic acid, which is acidic and polar, with aspartic acid, which is acidic and polar, at codon 7998 of the NEB protein (p.Glu7998Asp). This variant is present in population databases (no rsID available, gnomAD 0.006%). This variant has not been reported in the literature in individuals affected with NEB-related conditions. Algorithms developed to predict the effect of missense changes on protein structure and function are either unavailable or do not agree on the potential impact of this missense change (SIFT: "Deleterious"; PolyPhen-2: "Not Available"; Align-GVGD: "Class C0"). In summary, the available evidence is currently insufficient to determine the role of this variant in disease. Therefore, it has been classified as a Variant of Uncertain Significance.